The following is an entry in ClinVar:

ClinVar aggregate classification (germline): Conflicting classifications of pathogenicity. Review status: criteria provided, conflicting classifications (1 of 4 stars). 2 submissions from 2 submitters: Pathogenic (1); Uncertain significance (1). Last evaluated 2023-11-13.

Conditions:
Early-infantile DEE. Also called: Ohtahara syndrome; Early infantile epileptic encephalopathy; Early infantile epileptic encephalopathy with suppression bursts. Identifiers: Orphanet 1934, MedGen C0393706, MONDO:0800491.

Submissions (2):

Labcorp Genetics (formerly Invitae), Labcorp
Classification: Pathogenic for Early-infantile DEE. Last evaluated: 2023-11-13. Review status: criteria provided, single submitter. Criteria: Invitae Variant Classification Sherloc (09022015). Collection method: clinical testing. Allele origin: germline.
Comment: This sequence change replaces alanine, which is neutral and non-polar, with valine, which is neutral and non-polar, at codon 348 of the KCNQ2 protein (p.Ala348Val). This variant is not present in population databases (gnomAD no frequency). This missense change has been observed in individual(s) with clinical features of KCNQ2-related conditions (Invitae). In at least one individual the variant was observed to be de novo. ClinVar contains an entry for this variant (Variation ID: 567177). Advanced modeling of protein sequence and biophysical properties (such as structural, functional, and spatial information, amino acid conservation, physicochemical variation, residue mobility, and thermodynamic stability) performed at Invitae indicates that this missense variant is expected to disrupt KCNQ2 protein function with a positive predictive value of 95%. For these reasons, this variant has been classified as Pathogenic.

Revvity Omics, Revvity
Classification: Uncertain significance. Last evaluated: 2021-12-07. Review status: criteria provided, single submitter. Criteria: ACMG Guidelines, 2015. Collection method: clinical testing. Allele origin: germline.

NM_172107.4(KCNQ2):c.1043C>T (p.Ala348Val)

Gene: KCNQ2 (potassium voltage-gated channel subfamily Q member 2; minus strand). Cytogenetic location: 20q13.33.
Variant type: single nucleotide variant.
Coding change: c.1043C>T on transcript NM_172107.4 (MANE Select); coding-DNA position 1043, C replaced by T.
Protein change: p.Ala348Val; replaces alanine 348 with valine.
Molecular consequence: missense variant.
Genome position (GRCh38, 1-based): chr20:63,433,884, G>A on the plus strand (C>T on the coding strand, the complement: KCNQ2 is on the minus strand). VCF-style: chr20-63433884-G-A. GRCh37 (hg19) VCF-style: chr20-62065237-G-A.
Other names: c.1043C>T, p.Ala348Val (NM_004518.6, NM_172106.3, NM_172108.5 and 1 more transcripts); short protein forms A348V.
Identifiers: ClinVar variation 567177 (VCV000567177.14), dbSNP rs1568916986, ClinGen allele CA409651232.